The following is an entry in ClinVar:

ClinVar aggregate classification (germline): Uncertain significance. Review status: criteria provided, multiple submitters, no conflicts (2 of 4 stars). 5 submissions from 5 submitters: Uncertain significance (5). Last evaluated 2025-04-04.

Conditions:
Inborn genetic diseases. Identifiers: MedGen C0950123, MeSH D030342.
Developmental and epileptic encephalopathy, 42 (DEE42A). Also called: Epileptic encephalopathy, early infantile, 42; DEVELOPMENTAL AND EPILEPTIC ENCEPHALOPATHY 42A; EPILEPTIC ENCEPHALOPATHY, EARLY INFANTILE, 42A. Identifiers: MedGen C4310716, MONDO:0014917, OMIM 617106.
Episodic ataxia type 2 (EA2). Also called: CEREBELLAR ATAXIA, PAROXYSMAL, ACETAZOLAMIDE-RESPONSIVE; CEREBELLOPATHY, HEREDITARY PAROXYSMAL; EPISODIC ATAXIA, NYSTAGMUS-ASSOCIATED; ACETAZOLAMIDE-RESPONSIVE HEREDITARY PAROXYSMAL CEREBELLAR ATAXIA; ATAXIA, EPISODIC, WITH NYSTAGMUS; ATAXIA, FAMILIAL PAROXYSMAL. Identifiers: Orphanet 97, MedGen C1720416, MONDO:0007163, OMIM 108500.

Submissions (5):

Athena Diagnostics
Classification: Uncertain significance. Last evaluated: 2025-04-04. Review status: criteria provided, single submitter. Criteria: Athena Diagnostics Criteria. Collection method: clinical testing. Allele origin: unknown.
Comment: Available data are insufficient to determine the clinical significance of the variant at this time. This variant has not been reported in large, multi-ethnic general populations. Polyphen and MutationTaster predict this amino acid change may be damaging to the protein. The variant is located in a region that is considered important for protein function and/or structure.

GeneDx
Classification: Uncertain significance. Last evaluated: 2025-02-07. Review status: criteria provided, single submitter. Criteria: GeneDx Variant Classification Process June 2021. Collection method: clinical testing. Allele origin: germline. Affected: yes.
Comment: Not observed at significant frequency in large population cohorts (gnomAD); In silico analysis supports that this missense variant has a deleterious effect on protein structure/function; Has not been previously published as pathogenic or benign to our knowledge

Blueprint Genetics
Classification: Uncertain significance. Last evaluated: 2024-09-02. Review status: criteria provided, single submitter. Criteria: ACMG Guidelines, 2015. Collection method: clinical testing. Allele origin: germline.

Labcorp Genetics (formerly Invitae), Labcorp
Classification: Uncertain significance for Developmental and epileptic encephalopathy, 42; Episodic ataxia type 2. Last evaluated: 2021-04-16. Review status: criteria provided, single submitter. Criteria: Invitae Variant Classification Sherloc (09022015). Collection method: clinical testing. Allele origin: germline.
Comment: Advanced modeling of protein sequence and biophysical properties (such as structural, functional, and spatial information, amino acid conservation, physicochemical variation, residue mobility, and thermodynamic stability) performed at Invitae indicates that this missense variant is expected to disrupt CACNA1A protein function. In summary, the available evidence is currently insufficient to determine the role of this variant in disease. Therefore, it has been classified as a Variant of Uncertain Significance. This variant has not been reported in the literature in individuals with CACNA1A-related conditions. ClinVar contains an entry for this variant (Variation ID: 985194). This variant is not present in population databases (ExAC no frequency). This sequence change replaces arginine with glutamine at codon 201 of the CACNA1A protein (p.Arg201Gln). The arginine residue is highly conserved and there is a small physicochemical difference between arginine and glutamine.

Ambry Genetics
Classification: Uncertain significance for Inborn genetic diseases. Last evaluated: 2019-09-11. Review status: criteria provided, single submitter. Criteria: Ambry exome assertion method (8-5-2015). Collection method: clinical testing. Allele origin: germline. Affected: yes. Observed: 1 variant allele.

NM_001127222.2(CACNA1A):c.602G>A (p.Arg201Gln)

Gene: CACNA1A (calcium voltage-gated channel subunit alpha1 A; minus strand). Cytogenetic location: 19p13.13.
Variant type: single nucleotide variant.
Coding change: c.602G>A on transcript NM_001127222.2 (MANE Select); coding-DNA position 602, G replaced by A.
Protein change: p.Arg201Gln; replaces arginine 201 with glutamine.
Molecular consequence: missense variant.
Genome position (GRCh38, 1-based): chr19:13,371,717, C>T on the plus strand (G>A on the coding strand, the complement: CACNA1A is on the minus strand). VCF-style: chr19-13371717-C-T. GRCh37 (hg19) VCF-style: chr19-13482531-C-T.
Other names: c.602G>A, p.Arg201Gln (NM_000068.4, NM_001127221.2, NM_001174080.2 and 1 more transcripts); c.602G>A (NM_000068.2); short protein forms R201Q.
Identifiers: ClinVar variation 985194 (VCV000985194.16), dbSNP rs2059326410, ClinGen allele CA404350860.